The following is an entry in ClinVar:

ClinVar aggregate classification (germline): Uncertain significance (1 of 4 stars; one submission).

Allele frequency attached by ClinVar (database versions not stated): ExAC 0.00001; gnomAD 0.00001; TOPMed 0.00001; gnomAD exomes 0.00002; ESP Exome Variant Server 0.00008.
gnomAD v4.1: 27 of 1,612,418 alleles (0.0017%); highest among the groups gnomAD compares: South Asian, 0.0022%; no homozygotes.

Submission:

Labcorp Genetics (formerly Invitae), Labcorp
Classification: Uncertain significance. Last evaluated: 2023-05-16. Review status: criteria provided, single submitter. Criteria: Invitae Variant Classification Sherloc (09022015). Collection method: clinical testing. Allele origin: germline.
Comment: In summary, the available evidence is currently insufficient to determine the role of this variant in disease. Therefore, it has been classified as a Variant of Uncertain Significance. An algorithm developed to predict the effect of missense changes on protein structure and function (PolyPhen-2) suggests that this variant is likely to be disruptive. This variant has not been reported in the literature in individuals affected with HMCN1-related conditions. This variant is present in population databases (rs138982761, gnomAD 0.003%). This sequence change replaces arginine, which is basic and polar, with tryptophan, which is neutral and slightly polar, at codon 3024 of the HMCN1 protein (p.Arg3024Trp).

NM_031935.3(HMCN1):c.9070C>T (p.Arg3024Trp)

Gene: HMCN1 (hemicentin 1; plus strand). Cytogenetic location: 1q31.1.
Variant type: single nucleotide variant.
Coding change: c.9070C>T on transcript NM_031935.3 (MANE Select); coding-DNA position 9070, C replaced by T.
Protein change: p.Arg3024Trp; replaces arginine 3024 with tryptophan.
Molecular consequence: missense variant.
Genome position (GRCh38, 1-based): chr1:186,087,240, C>T. VCF-style: chr1-186087240-C-T. GRCh37 (hg19) VCF-style: chr1-186056372-C-T.
Other names: short protein forms R3024W.
Identifiers: ClinVar variation 2970824 (VCV002970824.3), dbSNP rs138982761, ClinGen allele CA1293311.
Genomic context (GRCh38, chr1:186,087,240, plus strand): 5'-TATACCACTCTACAATTTGCATTCTATTTACCTACAGGTGGTCGAACTCTACAGATTATT[C>T]GGGCCAAGGTATCAGATGGTGGTGAATACACTTGTATAGCTATCAATCAAGCTGGCGAAA-3'
Protein context (NP_114141.2, residues 3014-3034): VPGGRTLQII[Arg3024Trp]AKVSDGGEYT